The following is an entry in ClinVar:

ClinVar aggregate classification (germline): Uncertain significance (1 of 4 stars; one submission).

Conditions:
Cardiomyopathy (CMYO). Also called: Cardiomyopathies. Identifiers: Orphanet 167848, MedGen C0878544, MONDO:0004994, HP:0001638. Inheritance: Various modes of inheritance.

Submission:

All of Us Research Program, National Institutes of Health
Classification: Uncertain significance for Cardiomyopathy. Last evaluated: 2023-06-26. Review status: criteria provided, single submitter. Criteria: ACMG Guidelines, 2015. Collection method: clinical testing. Allele origin: germline. Inheritance: Autosomal dominant inheritance. Observed: 2 variant alleles, 2 heterozygotes.
Comment: This missense variant replaces lysine with asparagine at codon 740 of the MYH7 protein. Computational prediction suggests that this variant may have deleterious impact on protein structure and function (internally defined REVEL score threshold >= 0.7, PMID: 27666373). To our knowledge, functional studies have not been reported for this variant. This variant has not been reported in individuals affected with MYH7-related disorders in the literature. This variant has not been identified in the general population by the Genome Aggregation Database (gnomAD). The available evidence is insufficient to determine the role of this variant in disease conclusively. Therefore, this variant is classified as a Variant of Uncertain Significance.

This study involves interpretation of variants in research participants for the purpose of population health screening. Participant phenotype was not available at the time of variant classification. Additional details can be found in publication PMID: 35346344, PMCID: PMC8962531

NM_000257.4(MYH7):c.2220G>C (p.Lys740Asn)

Gene: MYH7 (myosin heavy chain 7; minus strand). Cytogenetic location: 14q11.2.
Variant type: single nucleotide variant.
Coding change: c.2220G>C on transcript NM_000257.4 (MANE Select); coding-DNA position 2220, G replaced by C.
Protein change: p.Lys740Asn; replaces lysine 740 with asparagine.
Molecular consequence: missense variant.
Genome position (GRCh38, 1-based): chr14:23,425,761, C>G on the plus strand (G>C on the coding strand, the complement: MYH7 is on the minus strand). VCF-style: chr14-23425761-C-G. GRCh37 (hg19) VCF-style: chr14-23894970-C-G.
Other names: c.2220G>C, p.Lys740Asn (NM_001407004.1); short protein forms K740N.
Identifiers: ClinVar variation 3072001 (VCV003072001.1), dbSNP rs1212346103, ClinGen allele CA389048883.
Genomic context (GRCh38, chr14:23,425,761, plus strand): 5'-GTGGCCAAACTTGTACTGGTTGTGATCAATGTCCAGGGAGCTGAGCAGCTTCTCTGCCCC[C>G]TTCCTGCTATCAATGAACTGTCCCTCAGGGATGGCCGCTGGGTTCAGGATGCGATACCTG-3'
Protein context (NP_000248.2, residues 730-750): IPEGQFIDSR[Lys740Asn]GAEKLLSSLD